The following is an entry in ClinVar:

NM_004523.4(KIF11):c.789+5G>A

Gene: KIF11 (kinesin family member 11; plus strand). Cytogenetic location: 10q23.33.
Variant type: single nucleotide variant.
Coding change: c.789+5G>A on transcript NM_004523.4 (MANE Select); 5 bases into the intron after coding-DNA position 789, G replaced by A.
Molecular consequence: intron variant.
Genome position (GRCh38, 1-based): chr10:92,613,135, G>A. VCF-style: chr10-92613135-G-A. GRCh37 (hg19) VCF-style: chr10-94372892-G-A.
Identifiers: ClinVar variation 3774321 (VCV003774321.2).

ClinVar aggregate classification (germline): Uncertain significance (1 of 4 stars; one submission).

Conditions:
Microcephaly with or without chorioretinopathy, lymphedema, or impaired intellectual development. Also called: MICROCEPHALY, LYMPHEDEMA, CHORIORETINAL DYSPLASIA SYNDROME; Microcephaly lymphedema chorioretinal dysplasia; MICROCEPHALY AND CHORIORETINOPATHY WITH OR WITHOUT MENTAL RETARDATION, AUTOSOMAL DOMINANT; Microcephaly with or without chorioretinopathy, lymphedema, or mental retardation; Microcephaly with or without chorioretinopathy, lymphedema, or intellectual disability. Identifiers: Orphanet 2526, MedGen C1835265, MONDO:0007918, OMIM 152950.

Submission:

Kasturba Medical College, Manipal, Kasturba Medical College, Manipal, Manipal Academy of Higher Education, Manipal, India
Classification: Uncertain significance for Microcephaly with or without chorioretinopathy, lymphedema, or impaired intellectual development. Review status: criteria provided, single submitter. Criteria: ACMG Guidelines, 2015. Collection method: research. Allele origin: germline. Inheritance: Autosomal dominant inheritance. Affected: yes. Observed: 1 heterozygote.
Comment: This variant is not reported in homozygous and/or heterozygous state in gnomAD (v4.1.0) population database and our in-house exome data of 3536 individuals. In silico analysis tools such as SpliceAI predict this variant to cause aberrant splicing. Heterozygous variants in KIF11 are associated with autosomal dominant, microcephaly with or without chorioretinopathy, lymphedema, or impaired intellectual development (MIM #152950). Incomplete penetrance has been reported in individuals with disease-causing variants in KIF11 (Chang et al., 2023; Li et al., 2016; Jones et al., 2013).

Literature cited by the submitters: PubMed 36672954; PubMed 27212378; PubMed 24281367.